The following is an entry in ClinVar:

NM_000158.4(GBE1):c.985T>C (p.Tyr329His)

Gene: GBE1 (1,4-alpha-glucan branching enzyme 1; minus strand). Cytogenetic location: 3p12.2.
Variant type: single nucleotide variant.
Coding change: c.985T>C on transcript NM_000158.4 (MANE Select); coding-DNA position 985, T replaced by C.
Protein change: p.Tyr329His; replaces tyrosine 329 with histidine.
Molecular consequence: missense variant.
Genome position (GRCh38, 1-based): chr3:81,642,788, A>G on the plus strand (T>C on the coding strand, the complement: GBE1 is on the minus strand). VCF-style: chr3-81642788-A-G. GRCh37 (hg19) VCF-style: chr3-81691939-A-G.
Other names: short protein forms Y329H.
Identifiers: ClinVar variation 2131086 (VCV002131086.4), dbSNP rs762781855, ClinGen allele CA2499827.
Genomic context (GRCh38, chr3:81,642,788, plus strand): 5'-AATTAATGTTAAACAGCAACAATAGAAAACATTTCTATATTGTATGTACCTACCTGGAGT[A>G]GGCAAACAATCTGCTATCCCAAAGATCATGAGTCCCTCTAGGTCCAGAATGAAAATAACA-3'
Protein context (NP_000149.4, residues 319-339): HDLWDSRLFA[Tyr329His]SSWEILRFLL

ClinVar aggregate classification (germline): Likely pathogenic (1 of 4 stars; one submission).

Conditions:
Glycogen storage disease IV, classic hepatic. Also called: GSD IV, CLASSIC HEPATIC. Identifiers: MedGen C1856301.
Glycogen storage disease, type IV (GSD4). Also called: AMYLOPECTINOSIS; ANDERSEN DISEASE; BRANCHER DEFICIENCY; CIRRHOSIS, FAMILIAL, WITH DEPOSITION OF ABNORMAL GLYCOGEN; Glycogen storage disease due to glycogen branching enzyme deficiency; GBE1 DEFICIENCY. Identifiers: Orphanet 367, MedGen C0017923, MONDO:0009292, OMIM 232500.

Allele frequency attached by ClinVar (database versions not stated): gnomAD exomes below 0.00001; ExAC 0.00001.
gnomAD v4.1: 4 of 1,597,446 alleles (0.00025%); highest among the groups gnomAD compares: East Asian, 0.0022%; no homozygotes.

Submission:

Labcorp Genetics (formerly Invitae), Labcorp
Classification: Likely pathogenic for Glycogen storage disease, type IV; Glycogen storage disease IV, classic hepatic. Last evaluated: 2022-04-28. Review status: criteria provided, single submitter. Criteria: Invitae Variant Classification Sherloc (09022015). Collection method: clinical testing. Allele origin: germline.
Comment: This variant has not been reported in the literature in individuals affected with GBE1-related conditions. In summary, the currently available evidence indicates that the variant is pathogenic, but additional data are needed to prove that conclusively. Therefore, this variant has been classified as Likely Pathogenic. This variant disrupts the p.Tyr329 amino acid residue in GBE1. Other variant(s) that disrupt this residue have been determined to be pathogenic (PMID: 23034915; Invitae). This suggests that this residue is clinically significant, and that variants that disrupt this residue are likely to be disease-causing. Advanced modeling of protein sequence and biophysical properties (such as structural, functional, and spatial information, amino acid conservation, physicochemical variation, residue mobility, and thermodynamic stability) performed at Invitae indicates that this missense variant is expected to disrupt GBE1 protein function. This variant is present in population databases (rs762781855, gnomAD 0.006%). This sequence change replaces tyrosine, which is neutral and polar, with histidine, which is basic and polar, at codon 329 of the GBE1 protein (p.Tyr329His).

Literature cited by the submitters: PubMed 23034915.